The following is an entry in ClinVar:

ClinVar aggregate classification (germline): Likely benign (0 of 4 stars; one submission).

Conditions:
PLXNA1-related disorder. Also called: PLXNA1-related condition.

gnomAD v4.1: 36 of 1,612,284 alleles (0.0022%); highest among the groups gnomAD compares: Admixed American, 0.0067%; 1 homozygote.

Submission:

PreventionGenetics, part of Exact Sciences
Classification: Likely benign for PLXNA1-related condition. Last evaluated: 2022-10-06. Review status: no assertion criteria provided. Collection method: clinical testing. Allele origin: germline.
Comment: This variant is classified as likely benign based on ACMG/AMP sequence variant interpretation guidelines (Richards et al. 2015 PMID: 25741868, with internal and published modifications).

NM_032242.4(PLXNA1):c.2016C>T (p.Asn672=)

Gene: PLXNA1 (plexin A1; plus strand). Cytogenetic location: 3q21.3.
Variant type: single nucleotide variant.
Coding change: c.2016C>T on transcript NM_032242.4 (MANE Select); coding-DNA position 2016, C replaced by T.
Protein change: p.Asn672=; no amino-acid change (asparagine 672 retained).
Molecular consequence: synonymous variant.
Genome position (GRCh38, 1-based): chr3:127,007,817, C>T. VCF-style: chr3-127007817-C-T. GRCh37 (hg19) VCF-style: chr3-126726660-C-T.
Identifiers: ClinVar variation 3351147 (VCV003351147.1).